The following is an entry in ClinVar:

ClinVar aggregate classification (germline): Pathogenic/Likely pathogenic. Review status: criteria provided, multiple submitters, no conflicts (2 of 4 stars). 2 submissions from 2 submitters: Pathogenic (1); Likely pathogenic (1). Last evaluated 2025-05-05.

Conditions:
Retinitis pigmentosa 39 (RP39). Identifiers: Orphanet 791, MedGen C3151138, MONDO:0013436, OMIM 613809.

Submissions (2):

Labcorp Genetics (formerly Invitae), Labcorp
Classification: Pathogenic. Last evaluated: 2025-05-05. Review status: criteria provided, single submitter. Criteria: Invitae Variant Classification Sherloc (09022015). Collection method: clinical testing. Allele origin: germline.
Comment: This sequence change creates a premature translational stop signal (p.Leu5089Tyrfs*79) in the USH2A gene. While this is not anticipated to result in nonsense mediated decay, it is expected to disrupt the last 114 amino acid(s) of the USH2A protein. This variant is not present in population databases (gnomAD no frequency). This variant has not been reported in the literature in individuals affected with USH2A-related conditions. ClinVar contains an entry for this variant (Variation ID: 2184515). This variant disrupts a region of the USH2A protein in which other variant(s) (p.Ile5166Val) have been determined to be pathogenic (PMID: 26969326, 27460420, 32531858). This suggests that this is a clinically significant region of the protein, and that variants that disrupt it are likely to be disease-causing. For these reasons, this variant has been classified as Pathogenic.

Baylor Genetics
Classification: Likely pathogenic for Retinitis pigmentosa 39. Last evaluated: 2022-12-23. Review status: criteria provided, single submitter. Criteria: ACMG Guidelines, 2015. Collection method: clinical testing. Allele origin: unknown.

Literature cited by the submitters: PubMed 26969326 (cited by Labcorp Genetics (formerly Invitae), Labcorp); PubMed 27460420 (cited by Labcorp Genetics (formerly Invitae), Labcorp); PubMed 32531858 (cited by Labcorp Genetics (formerly Invitae), Labcorp).

NM_206933.4(USH2A):c.15266_15294del (p.Leu5089fs)

Gene: USH2A (usherin; minus strand). Cytogenetic location: 1q41.
Variant type: Deletion.
Coding change: c.15266_15294del on transcript NM_206933.4 (MANE Select); coding-DNA positions 15266 to 15294, 29 bases deleted (TGAATGTTTACCCACCGGGGGAAAACCAT).
Protein change: p.Leu5089fs; shifts the reading frame from leucine 5089.
Molecular consequence: frameshift variant.
Genome position (GRCh38, 1-based): chr1:215,634,462-215,634,490, ATGGTTTTCCCCCGGTGGGTAAACATTCA deleted on the plus strand (TGAATGTTTACCCACCGGGGGAAAACCAT on the coding strand, the reverse complement: USH2A is on the minus strand); deleting any 29 consecutive bases within chr1:215,634,462-215,634,494 gives the same sequence; the c. name uses the placement nearest the transcript's 3' end. VCF-style (leftmost placement, unchanged base first): chr1-215634461-TATGGTTTTCCCCCGGTGGGTAAACATTCA-T. GRCh37 (hg19) VCF-style: chr1-215807803-TATGGTTTTCCCCCGGTGGGTAAACATTCA-T.
Other names: short protein forms L5089fs.
Identifiers: ClinVar variation 2184515 (VCV002184515.5), dbSNP rs2464771286, ClinGen allele CA2574001660.